The following is an entry in ClinVar:

ClinVar aggregate classification (germline): Uncertain significance (1 of 4 stars; one submission).

Conditions:
Nemaline myopathy 6 (NEM6). Also called: Nemaline myopathy 6, autosomal dominant. Identifiers: Orphanet 171439, MedGen C1836472, MONDO:0012237, OMIM 609273.

Submission:

Labcorp Genetics (formerly Invitae), Labcorp
Classification: Uncertain significance for Nemaline myopathy 6. Last evaluated: 2024-02-29. Review status: criteria provided, single submitter. Criteria: Invitae Variant Classification Sherloc (09022015). Collection method: clinical testing. Allele origin: germline.
Comment: This sequence change affects codon 246 of the KBTBD13 mRNA. It is a 'silent' change, meaning that it does not change the encoded amino acid sequence of the KBTBD13 protein. This variant is not present in population databases (gnomAD no frequency). This variant has not been reported in the literature in individuals affected with KBTBD13-related conditions. In summary, the available evidence is currently insufficient to determine the role of this variant in disease. Therefore, it has been classified as a Variant of Uncertain Significance.

NM_001101362.3(KBTBD13):c.738G>A (p.Gln246=)

Gene: KBTBD13 (kelch repeat and BTB domain containing 13; plus strand). Cytogenetic location: 15q22.31.
Variant type: single nucleotide variant.
Coding change: c.738G>A on transcript NM_001101362.3 (MANE Select); coding-DNA position 738, G replaced by A.
Protein change: p.Gln246=; no amino-acid change (glutamine 246 retained).
Molecular consequence: synonymous variant.
Genome position (GRCh38, 1-based): chr15:65,077,553, G>A. VCF-style: chr15-65077553-G-A. GRCh37 (hg19) VCF-style: chr15-65369891-G-A.
Identifiers: ClinVar variation 2711724 (VCV002711724.3), dbSNP rs2506309256, ClinGen allele CA490899005.